The following is an entry in ClinVar:

ClinVar aggregate classification (germline): Uncertain significance (1 of 4 stars; one submission).

Allele frequency attached by ClinVar (database versions not stated): TOPMed below 0.00001; gnomAD 0.00001; ESP Exome Variant Server 0.00008.
gnomAD v4.1: 1 of 1,604,186 alleles (0.000062%); highest among the groups gnomAD compares: African/African-American, 0.0013%; no homozygotes.

Submission:

GeneDx
Classification: Uncertain significance. Last evaluated: 2019-05-03. Review status: criteria provided, single submitter. Criteria: GeneDx Variant Classification Process June 2021. Collection method: clinical testing. Allele origin: germline. Affected: yes.
Comment: Not observed in large population cohorts (Lek et al., 2016); In silico analysis, which includes protein predictors and evolutionary conservation, supports that this variant does not alter protein structure/function; Has not been previously published as pathogenic or benign to our knowledge

NM_001145809.2(MYH14):c.3964G>C (p.Val1322Leu)

Gene: MYH14 (myosin heavy chain 14; plus strand). Cytogenetic location: 19q13.33.
Variant type: single nucleotide variant.
Coding change: c.3964G>C on transcript NM_001145809.2 (MANE Select); coding-DNA position 3964, G replaced by C.
Protein change: p.Val1322Leu; replaces valine 1322 with leucine.
Molecular consequence: missense variant.
Genome position (GRCh38, 1-based): chr19:50,278,221, G>C. VCF-style: chr19-50278221-G-C. GRCh37 (hg19) VCF-style: chr19-50781478-G-C.
Other names: c.3865G>C, p.Val1289Leu (NM_001077186.2); c.3841G>C, p.Val1281Leu (NM_024729.4); short protein forms V1281L, V1289L, V1322L.
Identifiers: ClinVar variation 1305573 (VCV001305573.2), dbSNP rs372578959, ClinGen allele CA309572772.